The following is an entry in ClinVar:

ClinVar aggregate classification (germline): Uncertain significance (1 of 4 stars; one submission).

Submission:

GeneDx
Classification: Uncertain significance. Last evaluated: 2022-11-28. Review status: criteria provided, single submitter. Criteria: GeneDx Variant Classification Process June 2021. Collection method: clinical testing. Allele origin: germline. Affected: yes.
Comment: Not observed at significant frequency in large population cohorts (gnomAD); In silico analysis supports that this missense variant has a deleterious effect on protein structure/function; Has not been previously published as pathogenic or benign to our knowledge

NM_020719.3(PRR12):c.4199C>T (p.Ser1400Phe)

Gene: PRR12 (proline rich 12; plus strand). Cytogenetic location: 19q13.33.
Variant type: single nucleotide variant.
Coding change: c.4199C>T on transcript NM_020719.3 (MANE Select); coding-DNA position 4199, C replaced by T.
Protein change: p.Ser1400Phe; replaces serine 1400 with phenylalanine.
Molecular consequence: missense variant.
Genome position (GRCh38, 1-based): chr19:49,599,792, C>T. VCF-style: chr19-49599792-C-T. GRCh37 (hg19) VCF-style: chr19-50103049-C-T.
Other names: short protein forms S1400F.
Identifiers: ClinVar variation 2503402 (VCV002503402.1), dbSNP rs1429871125, ClinGen allele CA406891743.